The following is an entry in ClinVar:

ClinVar aggregate classification (germline): Likely benign. Review status: criteria provided, multiple submitters, no conflicts (2 of 4 stars). 2 submissions from 2 submitters: Likely benign (2). Last evaluated 2025-12-19.

Conditions:
Danon disease. Also called: PSEUDOGLYCOGENOSIS II; GSD IIb; LYSOSOMAL GLYCOGEN STORAGE DISEASE WITHOUT ACID MALTASE DEFICIENCY; ANTOPOL DISEASE; Glycogen Storage Disease Type IIb. Identifiers: Orphanet 34587, MedGen C0878677, MONDO:0010281, OMIM 300257.

Allele frequency attached by ClinVar (database versions not stated): gnomAD exomes 0.00001; gnomAD 0.00003; TOPMed 0.00004.

Submissions (2):

Labcorp Genetics (formerly Invitae), Labcorp
Classification: Likely benign for Danon disease. Last evaluated: 2025-12-19. Review status: criteria provided, single submitter. Criteria: Invitae Variant Classification Sherloc (09022015). Collection method: clinical testing. Allele origin: germline.

GeneDx
Classification: Likely benign. Last evaluated: 2017-06-23. Review status: criteria provided, single submitter. Criteria: GeneDx Variant Classification (06012015). Collection method: clinical testing. Allele origin: germline. Affected: yes.
Comment: This variant is considered likely benign or benign based on one or more of the following criteria: it is a conservative change, it occurs at a poorly conserved position in the protein, it is predicted to be benign by multiple in silico algorithms, and/or has population frequency not consistent with disease.

NM_002294.3(LAMP2):c.64+20C>G

Gene: LAMP2 (lysosome associated membrane protein 2; minus strand). Cytogenetic location: Xq24.
Variant type: single nucleotide variant.
Coding change: c.64+20C>G on transcript NM_002294.3 (MANE Select); 20 bases into the intron after coding-DNA position 64, C replaced by G.
Molecular consequence: intron variant.
Genome position (GRCh38, 1-based): chrX:120,469,086, G>C on the plus strand (C>G on the coding strand, the complement: LAMP2 is on the minus strand). VCF-style: chrX-120469086-G-C. GRCh37 (hg19) VCF-style: chrX-119602941-G-C.
Other names: c.64+20C>G (NM_001122606.1, NM_013995.2).
Identifiers: ClinVar variation 518174 (VCV000518174.5), dbSNP rs1346805727, ClinGen allele CA658799852.